The following is an entry in ClinVar:

NM_020297.4(ABCC9):c.2795T>G (p.Leu932Ter)

Gene: ABCC9 (ATP binding cassette subfamily C member 9; minus strand). Cytogenetic location: 12p12.1.
Variant type: single nucleotide variant.
Coding change: c.2795T>G on transcript NM_020297.4 (MANE Select); coding-DNA position 2795, T replaced by G.
Protein change: p.Leu932Ter; replaces leucine 932 with a stop codon.
Molecular consequence: nonsense.
Genome position (GRCh38, 1-based): chr12:21,848,221, A>C on the plus strand (T>G on the coding strand, the complement: ABCC9 is on the minus strand). VCF-style: chr12-21848221-A-C. GRCh37 (hg19) VCF-style: chr12-22001155-A-C.
Other names: c.1928T>G, p.Leu643Ter (NM_001377274.1); c.2795T>G, p.Leu932Ter (NM_005691.4, NM_001377273.1); c.2795T>G (NM_005691.2); short protein forms L932*, L643*.
Identifiers: ClinVar variation 1525693 (VCV001525693.7), dbSNP rs1469919677, ClinGen allele CA384122334.

ClinVar aggregate classification (germline): Conflicting classifications of pathogenicity. Review status: criteria provided, conflicting classifications (1 of 4 stars). 2 submissions from 2 submitters: Pathogenic (1); Uncertain significance (1). Last evaluated 2024-10-01.

Conditions:
Dilated cardiomyopathy 1O (CMD1O). Also called: CARDIOMYOPATHY, DILATED, WITH VENTRICULAR TACHYCARDIA. Identifiers: Orphanet 154, MedGen C1837839, MONDO:0012062, OMIM 608569.
Cardiovascular phenotype. Identifiers: MedGen CN230736.

gnomAD v4.1: 4 of 1,613,462 alleles (0.00025%); highest among the groups gnomAD compares: Non-Finnish European, 0.00034%; no homozygotes.

Submissions (2):

Labcorp Genetics (formerly Invitae), Labcorp
Classification: Pathogenic for Dilated cardiomyopathy 1O. Last evaluated: 2024-10-01. Review status: criteria provided, single submitter. Criteria: Invitae Variant Classification Sherloc (09022015). Collection method: clinical testing. Allele origin: germline.
Comment: This sequence change creates a premature translational stop signal (p.Leu932*) in the ABCC9 gene. It is expected to result in an absent or disrupted protein product. Loss-of-function variants in ABCC9 are known to be pathogenic (PMID: 31575858, 38217872). This variant is not present in population databases (gnomAD no frequency). This variant has not been reported in the literature in individuals affected with ABCC9-related conditions. ClinVar contains an entry for this variant (Variation ID: 1525693). Experimental studies and prediction algorithms are not available or were not evaluated, and the functional significance of this variant is currently unknown. For these reasons, this variant has been classified as Pathogenic.

Ambry Genetics
Classification: Uncertain significance for Cardiovascular phenotype. Last evaluated: 2023-05-02. Review status: criteria provided, single submitter. Criteria: Ambry Variant Classification Scheme 2023. Collection method: clinical testing. Allele origin: germline.
Comment: The p.L932* variant (also known as c.2795T>G), located in coding exon 23 of the ABCC9 gene, results from a T to G substitution at nucleotide position 2795. This changes the amino acid from a leucine to a stop codon within coding exon 23. This alteration is expected to result in protein truncation or nonsense-mediated mRNA decay. However, loss of function of ABCC9 has not been established as a mechanism of disease. Since supporting evidence is limited at this time, the clinical significance of this alteration remains unclear.

Literature cited by the submitters: PubMed 31575858 (cited by Labcorp Genetics (formerly Invitae), Labcorp); PubMed 38217872 (cited by Labcorp Genetics (formerly Invitae), Labcorp).